The following is an entry in ClinVar:

NM_024422.6(DSC2):c.685C>T (p.Leu229=)

Gene: DSC2 (desmocollin 2; minus strand). Cytogenetic location: 18q12.1.
Variant type: single nucleotide variant.
Coding change: c.685C>T on transcript NM_024422.6 (MANE Select); coding-DNA position 685, C replaced by T.
Protein change: p.Leu229=; no amino-acid change (leucine 229 retained).
Molecular consequence: synonymous variant.
Genome position (GRCh38, 1-based): chr18:31,087,759, G>A on the plus strand (C>T on the coding strand, the complement: DSC2 is on the minus strand). VCF-style: chr18-31087759-G-A. GRCh37 (hg19) VCF-style: chr18-28667722-G-A.
Other names: c.685C>T (NM_024422.3); c.256C>T, p.Leu86= (NM_001406506.1, NM_001406507.1); c.685C>T, p.Leu229= (NM_004949.5).
Identifiers: ClinVar variation 3907401 (VCV003907401.2).
Genomic context (GRCh38, chr18:31,087,759, plus strand): 5'-TATAAGTTTCTTCTGTAAAAATTGGGTAGTTATCATTTTCATCCTCTATTTTGATTATTA[G>A]GGGCAGTGGAAGTTCTGGAGTATACCCATCTGGAGTTGTTGCAAAGGCAATTATCTGTGA-3'
Protein context (NP_077740.1, residues 219-239): DGYTPELPLP[Leu229=]IIKIEDENDN

ClinVar aggregate classification (germline): Likely benign. Review status: criteria provided, multiple submitters, no conflicts (2 of 4 stars). 2 submissions from 2 submitters: Likely benign (2). Last evaluated 2026-04-09.

Conditions:
Cardiovascular phenotype. Identifiers: MedGen CN230736.

Submissions (2):

Ambry Genetics
Classification: Likely benign for Cardiovascular phenotype. Last evaluated: 2026-04-09. Review status: criteria provided, single submitter. Criteria: Ambry Variant Classification Scheme 2023. Collection method: clinical testing. Allele origin: germline.

Women's Health and Genetics/Laboratory Corporation of America, LabCorp
Classification: Likely benign. Last evaluated: 2025-06-27. Review status: criteria provided, single submitter. Criteria: LabCorp Variant Classification Summary - May 2015. Collection method: clinical testing. Allele origin: germline.
Comment: Variant summary: DSC2 c.685C>T alters a non-conserved nucleotide resulting in a synonymous change. Consensus agreement among computation tools predict no significant impact on normal splicing. However, these predictions have yet to be confirmed by functional studies. The variant was absent in 251194 control chromosomes. The available data on variant occurrences in the general population are insufficient to allow any conclusion about variant significance. To our knowledge, no occurrence of c.685C>T in individuals affected with Arrhythmogenic Right Ventricular Dysplasia/Cardiomyopathy and no experimental evidence demonstrating its impact on protein function have been reported. No submitters have cited clinical-significance assessments for this variant to ClinVar. Based on the evidence outlined above, the variant was classified as likely benign.